The following is an entry in ClinVar:

NM_001374828.1(ARID1B):c.1238_1240dup (p.Gly413_Ala414insGly)

Gene: ARID1B (AT-rich interaction domain 1B; plus strand). Cytogenetic location: 6q25.3.
Variant type: Duplication.
Coding change: c.1238_1240dup on transcript NM_001374828.1 (MANE Select); coding-DNA positions 1238 to 1240, 3 bases duplicated (GAG; older notation c.1238_1240dupGAG).
Protein change: p.Gly413_Ala414insGly.
Genome position (GRCh38, 1-based): chr6:156,778,918-156,778,920, GAG duplicated; duplicating any 3 consecutive bases within chr6:156,778,916-156,778,920 gives the same sequence; the c. name uses the placement nearest the transcript's 3' end. VCF-style (leftmost placement, unchanged base first): chr6-156778915-C-CAGG. GRCh37 (hg19) VCF-style: chr6-157100049-C-CAGG.
Other names: c.1238_1240dup, p.Gly413_Ala414insGly (NM_001371656.1, NM_001374820.1, NM_001438482.1 and 9 more transcripts).
Identifiers: ClinVar variation 4764029 (VCV004764029.1).

ClinVar aggregate classification (germline): Uncertain significance (1 of 4 stars; one submission).

Submission:

Labcorp Genetics (formerly Invitae), Labcorp
Classification: Uncertain significance. Last evaluated: 2025-05-22. Review status: criteria provided, single submitter. Criteria: Invitae Variant Classification Sherloc (09022015). Collection method: clinical testing. Allele origin: germline.
Comment: This variant, c.989_991dup, results in the insertion of 1 amino acid(s) of the ARID1B protein (p.Gly330dup), but otherwise preserves the integrity of the reading frame. The frequency data for this variant in the population databases is considered unreliable, as metrics indicate insufficient coverage at this position in the gnomAD database. This variant has not been reported in the literature in individuals affected with ARID1B-related conditions. In summary, the available evidence is currently insufficient to determine the role of this variant in disease. Therefore, it has been classified as a Variant of Uncertain Significance.